The following is an entry in ClinVar:

ClinVar aggregate classification (germline): Likely benign. Review status: criteria provided, multiple submitters, no conflicts (2 of 4 stars). 4 submissions from 4 submitters: Likely benign (3). 1 of the submissions does not count toward it. Last evaluated 2025-09-22.

Conditions:
Rubinstein-Taybi syndrome (RSTS). Identifiers: Orphanet 783, MedGen C0035934, MONDO:0019188.
CREBBP-related disorder. Also called: CREBBP-related condition; CREBBP-related disorders.

Allele frequency attached by ClinVar (database versions not stated): gnomAD exomes 0.00003; ExAC 0.00005; ESP Exome Variant Server 0.00008.
gnomAD v4.1: 45 of 1,614,048 alleles (0.0028%); highest among the groups gnomAD compares: Middle Eastern, 0.016%; 1 homozygote.

Submissions (4):

Labcorp Genetics (formerly Invitae), Labcorp
Classification: Likely benign for Rubinstein-Taybi syndrome. Last evaluated: 2025-09-22. Review status: criteria provided, single submitter. Criteria: Invitae Variant Classification Sherloc (09022015). Collection method: clinical testing. Allele origin: germline.

Blueprint Genetics
Classification: Likely benign. Last evaluated: 2024-06-05. Review status: criteria provided, single submitter. Criteria: ACMG Guidelines, 2015. Collection method: clinical testing. Allele origin: germline.

CeGaT Center for Human Genetics Tuebingen
Classification: Likely benign. Last evaluated: 2024-03-01. Review status: criteria provided, single submitter. Criteria: CeGaT Center For Human Genetics Tuebingen Variant Classification Criteria Version 2. Collection method: clinical testing. Allele origin: germline. Affected: yes. Observed: 1 variant allele.
Comment: CREBBP: BP4, BP7

PreventionGenetics, part of Exact Sciences
Classification: Likely benign for CREBBP-related condition. Last evaluated: 2023-03-08. Review status: no assertion criteria provided. Collection method: clinical testing. Allele origin: germline. Not counted in ClinVar's aggregate classification.
Comment: This variant is classified as likely benign based on ACMG/AMP sequence variant interpretation guidelines (Richards et al. 2015 PMID: 25741868, with internal and published modifications).

NM_004380.3(CREBBP):c.5451G>A (p.Pro1817=)

Gene: CREBBP (CREB binding lysine acetyltransferase; minus strand). Cytogenetic location: 16p13.3.
Variant type: single nucleotide variant.
Coding change: c.5451G>A on transcript NM_004380.3 (MANE Select); coding-DNA position 5451, G replaced by A.
Protein change: p.Pro1817=; no amino-acid change (proline 1817 retained).
Molecular consequence: synonymous variant.
Genome position (GRCh38, 1-based): chr16:3,729,596, C>T on the plus strand (G>A on the coding strand, the complement: CREBBP is on the minus strand). VCF-style: chr16-3729596-C-T. GRCh37 (hg19) VCF-style: chr16-3779597-C-T.
Other names: c.5451G>A (NM_004380.2); c.5337G>A, p.Pro1779= (NM_001079846.1).
Identifiers: ClinVar variation 1926812 (VCV001926812.28), dbSNP rs373848722, ClinGen allele CA7869279.
Genomic context (GRCh38, chr16:3,729,596, plus strand): 5'-TTTGTTTTCTTGGCAGTGCTTGGCGTGGTAGCAGCAGAGGGCGATGAGCTGCTTGCACAC[C>T]GGGCAGCCCCCGTTGGTCTTGCGTTTGCAGCCCTTGGTGTGCTGCACCACCCGCTTCATC-3'
Protein context (NP_004371.2, residues 1807-1827): GCKRKTNGGC[Pro1817=]VCKQLIALCC